The following is an entry in ClinVar:

ClinVar aggregate classification (germline): Pathogenic (1 of 4 stars; one submission).

Conditions:
Megaconial type congenital muscular dystrophy (MDCMC). Also called: MUSCULAR DYSTROPHY, CONGENITAL, WITH MITOCHONDRIAL STRUCTURAL ABNORMALITIES; CHKB-Related Muscle Diseases; CHKB-Related Muscular Dystrophy. Identifiers: Orphanet 280671, MedGen C1865233, MONDO:0011246, OMIM 602541.

Allele frequency attached by ClinVar (database versions not stated): gnomAD 0.00001 and 0.00002; gnomAD exomes 0.00001 and 0.00002; ExAC 0.00002; TOPMed 0.00003; ESP Exome Variant Server 0.00008.
gnomAD v4.1: 28 of 1,613,892 alleles (0.0017%); highest among the groups gnomAD compares: Admixed American, 0.0033%; no homozygotes.

Submission:

Labcorp Genetics (formerly Invitae), Labcorp
Classification: Pathogenic for Megaconial type congenital muscular dystrophy. Last evaluated: 2025-09-08. Review status: criteria provided, single submitter. Criteria: Invitae Variant Classification Sherloc (09022015). Collection method: clinical testing. Allele origin: germline.
Comment: This sequence change replaces asparagine, which is neutral and polar, with serine, which is neutral and polar, at codon 241 of the CHKB protein (p.Asn241Ser). This variant is present in population databases (rs371751084, gnomAD 0.007%). This missense change has been observed in individuals with congenital muscular dystrophy (PMID: 23692895, 26548592, 37393748). ClinVar contains an entry for this variant (Variation ID: 342172). Invitae Evidence Modeling of protein sequence and biophysical properties (such as structural, functional, and spatial information, amino acid conservation, physicochemical variation, residue mobility, and thermodynamic stability) indicates that this missense variant is expected to disrupt CHKB protein function with a positive predictive value of 80%. For these reasons, this variant has been classified as Pathogenic.

Literature cited by the submitters: PubMed 23692895; PubMed 26548592; PubMed 37393748.

NM_005198.5(CHKB):c.722A>G (p.Asn241Ser)

Genes: CHKB (choline kinase beta; minus strand), CHKB-CPT1B (CHKB-CPT1B readthrough (NMD candidate); minus strand). Cytogenetic location: 22q13.33.
Variant type: single nucleotide variant.
Coding change: c.722A>G on transcript NM_005198.5 (MANE Select); coding-DNA position 722, A replaced by G.
Protein change: p.Asn241Ser; replaces asparagine 241 with serine.
Molecular consequence: missense variant. On other transcripts: non-coding transcript variant (1).
Genome position (GRCh38, 1-based): chr22:50,580,372, T>C on the plus strand (A>G on the coding strand, the complement: CHKB is on the minus strand). VCF-style: chr22-50580372-T-C. GRCh37 (hg19) VCF-style: chr22-51018801-T-C.
Other names: short protein forms N241S.
Identifiers: ClinVar variation 342172 (VCV000342172.7), dbSNP rs371751084, ClinGen allele CA10323666.